The following is an entry in ClinVar:

NM_017654.4(SAMD9):c.2453T>C (p.Ile818Thr)

Gene: SAMD9 (sterile alpha motif domain containing 9; minus strand). Cytogenetic location: 7q21.2.
Variant type: single nucleotide variant.
Coding change: c.2453T>C on transcript NM_017654.4 (MANE Select); coding-DNA position 2453, T replaced by C.
Protein change: p.Ile818Thr; replaces isoleucine 818 with threonine.
Molecular consequence: missense variant.
Genome position (GRCh38, 1-based): chr7:93,103,645, A>G on the plus strand (T>C on the coding strand, the complement: SAMD9 is on the minus strand). VCF-style: chr7-93103645-A-G. GRCh37 (hg19) VCF-style: chr7-92732958-A-G.
Other names: c.2453T>C, p.Ile818Thr (NM_001193307.2); c.2453T>C (NM_017654.3); short protein forms I818T.
Identifiers: ClinVar variation 1902758 (VCV001902758.6), dbSNP rs2535358215, ClinGen allele CA368190511.

ClinVar aggregate classification (germline): Uncertain significance. Review status: criteria provided, multiple submitters, no conflicts (2 of 4 stars). 2 submissions from 2 submitters: Uncertain significance (2). Last evaluated 2025-01-20.

Conditions:
Inborn genetic diseases. Identifiers: MedGen C0950123, MeSH D030342.

Allele frequency attached by ClinVar (database versions not stated): gnomAD exomes 0.00001.
gnomAD v4.1: 5 of 1,613,810 alleles (0.00031%); highest among the groups gnomAD compares: Non-Finnish European, 0.00034%; no homozygotes.

Submissions (2):

Ambry Genetics
Classification: Uncertain significance for Inborn genetic diseases. Last evaluated: 2025-01-20. Review status: criteria provided, single submitter. Criteria: Ambry Variant Classification Scheme 2023. Collection method: clinical testing. Allele origin: germline.

Labcorp Genetics (formerly Invitae), Labcorp
Classification: Uncertain significance. Last evaluated: 2024-05-28. Review status: criteria provided, single submitter. Criteria: Invitae Variant Classification Sherloc (09022015). Collection method: clinical testing. Allele origin: germline.
Comment: This sequence change replaces isoleucine, which is neutral and non-polar, with threonine, which is neutral and polar, at codon 818 of the SAMD9 protein (p.Ile818Thr). This variant is not present in population databases (gnomAD no frequency). This variant has not been reported in the literature in individuals affected with SAMD9-related conditions. ClinVar contains an entry for this variant (Variation ID: 1902758). Advanced modeling of protein sequence and biophysical properties (such as structural, functional, and spatial information, amino acid conservation, physicochemical variation, residue mobility, and thermodynamic stability) performed at Invitae indicates that this missense variant is not expected to disrupt SAMD9 protein function with a negative predictive value of 95%. In summary, the available evidence is currently insufficient to determine the role of this variant in disease. Therefore, it has been classified as a Variant of Uncertain Significance.